The following is an entry in ClinVar:

ClinVar aggregate classification (germline): Benign/Likely benign. Review status: criteria provided, multiple submitters, no conflicts (2 of 4 stars). 2 submissions from 2 submitters: Benign (1); Likely benign (1). Last evaluated 2024-03-27.

Conditions:
Familial adenomatous polyposis 1 (FAP1). Also called: POLYPOSIS, ADENOMATOUS INTESTINAL; FAMILIAL ADENOMATOUS POLYPOSIS 1, ATTENUATED. Identifiers: MedGen C2713442, MONDO:0021056, OMIM 175100. Disease mechanism: loss of function.
Hereditary cancer-predisposing syndrome. Also called: Neoplastic Syndromes, Hereditary; Tumor predisposition; Hereditary neoplastic syndrome; Hereditary Cancer Syndrome. Identifiers: Orphanet 140162, MedGen C0027672, MeSH D009386, MONDO:0015356.

Submissions (2):

Myriad Genetics, Inc.
Classification: Benign for Familial adenomatous polyposis 1. Last evaluated: 2024-03-27. Review status: criteria provided, single submitter. Criteria: Myriad Autosomal Dominant, Autosomal Recessive and X-Linked Classification Criteria (2023). Collection method: clinical testing. Allele origin: unknown.
Comment: This variant is considered benign. This variant is a silent/synonymous amino acid change and it is not expected to impact splicing.

Ambry Genetics
Classification: Likely benign for Hereditary cancer-predisposing syndrome. Last evaluated: 2024-01-30. Review status: criteria provided, single submitter. Criteria: Ambry Variant Classification Scheme 2023. Collection method: clinical testing. Allele origin: germline.

NM_000038.6(APC):c.4516C>T (p.Leu1506=)

Gene: APC (APC regulator of Wnt signaling pathway; plus strand). Cytogenetic location: 5q22.2.
Variant type: single nucleotide variant.
Coding change: c.4516C>T on transcript NM_000038.6 (MANE Select); coding-DNA position 4516, C replaced by T.
Protein change: p.Leu1506=; no amino-acid change (leucine 1506 retained).
Molecular consequence: synonymous variant. On other transcripts: non-coding transcript variant (2).
Genome position (GRCh38, 1-based): chr5:112,840,110, C>T. VCF-style: chr5-112840110-C-T. GRCh37 (hg19) VCF-style: chr5-112175807-C-T.
Other names: c.4516C>T, p.Leu1506= (NM_001127510.3, NM_001354895.2, NM_001407450.1); c.4462C>T, p.Leu1488= (NM_001127511.3); c.4570C>T, p.Leu1524= (NM_001354896.2, NM_001407447.1, NM_001407448.1 and 1 more transcripts); c.4546C>T, p.Leu1516= (NM_001354897.2); c.4441C>T, p.Leu1481= (NM_001354898.2); c.4432C>T, p.Leu1478= (NM_001354899.2); c.4393C>T, p.Leu1465= (NM_001354900.2); c.4339C>T, p.Leu1447= (NM_001354901.2, NM_001407453.1); and 12 more.
Identifiers: ClinVar variation 3148768 (VCV003148768.1), dbSNP rs1262965215, ClinGen allele CA446206560.